The following is an entry in ClinVar:

ClinVar aggregate classification (germline): Uncertain significance (1 of 4 stars; one submission).

Allele frequency attached by ClinVar (database versions not stated): gnomAD 0.00001; gnomAD exomes 0.00001 and 0.00002; ExAC 0.00002; TOPMed 0.00003; ESP Exome Variant Server 0.00008.
gnomAD v4.1: 14 of 1,613,852 alleles (0.00087%); highest among the groups gnomAD compares: African/African-American, 0.008%; no homozygotes.

Submission:

Labcorp Genetics (formerly Invitae), Labcorp
Classification: Uncertain significance. Last evaluated: 2021-07-27. Review status: criteria provided, single submitter. Criteria: Invitae Variant Classification Sherloc (09022015). Collection method: clinical testing. Allele origin: germline.
Comment: In summary, the available evidence is currently insufficient to determine the role of this variant in disease. Therefore, it has been classified as a Variant of Uncertain Significance. Algorithms developed to predict the effect of missense changes on protein structure and function are either unavailable or do not agree on the potential impact of this missense change (SIFT: "Deleterious"; PolyPhen-2: "Probably Damaging"; Align-GVGD: "Class C0"). This variant has not been reported in the literature in individuals affected with MYH14-related conditions. This variant is present in population databases (rs373197435, ExAC 0.02%). This sequence change replaces valine with methionine at codon 174 of the MYH14 protein (p.Val174Met). The valine residue is highly conserved and there is a small physicochemical difference between valine and methionine.

NM_001145809.2(MYH14):c.520G>A (p.Val174Met)

Gene: MYH14 (myosin heavy chain 14; plus strand). Cytogenetic location: 19q13.33.
Variant type: single nucleotide variant.
Coding change: c.520G>A on transcript NM_001145809.2 (MANE Select); coding-DNA position 520, G replaced by A.
Protein change: p.Val174Met; replaces valine 174 with methionine.
Molecular consequence: missense variant.
Genome position (GRCh38, 1-based): chr19:50,217,729, G>A. VCF-style: chr19-50217729-G-A. GRCh37 (hg19) VCF-style: chr19-50720986-G-A.
Other names: c.520G>A, p.Val174Met (NM_024729.4, NM_001077186.2); short protein forms V174M.
Identifiers: ClinVar variation 1449461 (VCV001449461.6), dbSNP rs373197435, ClinGen allele CA9592280.